The following is an entry in ClinVar:

ClinVar aggregate classification (germline): Uncertain significance (1 of 4 stars; one submission).

Submission:

Labcorp Genetics (formerly Invitae), Labcorp
Classification: Uncertain significance. Last evaluated: 2023-08-10. Review status: criteria provided, single submitter. Criteria: Invitae Variant Classification Sherloc (09022015). Collection method: clinical testing. Allele origin: germline.
Comment: In summary, the available evidence is currently insufficient to determine the role of this variant in disease. Therefore, it has been classified as a Variant of Uncertain Significance. Experimental studies and prediction algorithms are not available or were not evaluated, and the functional significance of this variant is currently unknown. This variant has not been reported in the literature in individuals affected with COL7A1-related conditions. This variant is not present in population databases (gnomAD no frequency). This variant, c.6264_6272del, results in the deletion of 3 amino acid(s) of the COL7A1 protein (p.Pro2090_Pro2092del), but otherwise preserves the integrity of the reading frame.

NM_000094.4(COL7A1):c.6264_6272del (p.2084PGP[2])

Gene: COL7A1 (collagen type VII alpha 1 chain; minus strand). Cytogenetic location: 3p21.31.
Variant type: Deletion.
Coding change: c.6264_6272del on transcript NM_000094.4 (MANE Select); coding-DNA positions 6264 to 6272, 9 bases deleted (ACCCCCTGG; older notation c.6264_6272delACCCCCTGG).
Protein change: p.2084PGP[2].
Molecular consequence: inframe deletion.
Genome position (GRCh38, 1-based): chr3:48,575,071-48,575,079, CCAGGGGGT deleted on the plus strand (ACCCCCTGG on the coding strand, the reverse complement: COL7A1 is on the minus strand); deleting any 9 consecutive bases within chr3:48,575,071-48,575,081 gives the same sequence; the c. name uses the placement nearest the transcript's 3' end. VCF-style (leftmost placement, unchanged base first): chr3-48575070-GCCAGGGGGT-G. GRCh37 (hg19) VCF-style: chr3-48612503-GCCAGGGGGT-G.
Identifiers: ClinVar variation 2962216 (VCV002962216.3), dbSNP rs2530961385, ClinGen allele CA2665618515.